The following is an entry in ClinVar:

ClinVar aggregate classification (germline): Benign/Likely benign. Review status: criteria provided, multiple submitters, no conflicts (2 of 4 stars). 3 submissions from 3 submitters: Benign (1); Likely benign (2). Last evaluated 2025-02-05.

Conditions:
POLD1-related polyposis and colorectal cancer syndrome (CRCS10). Also called: Colorectal cancer 10; COLORECTAL CANCER, SUSCEPTIBILITY TO, ON CHROMOSOME 19q; Colorectal cancer, susceptibility to, 10. Identifiers: Orphanet 220460, MedGen C2675481, MONDO:0012953, OMIM 612591.
Hereditary cancer-predisposing syndrome. Also called: Tumor predisposition; Hereditary Cancer Syndrome; Hereditary neoplastic syndrome; Neoplastic Syndromes, Hereditary. Identifiers: Orphanet 140162, MedGen C0027672, MeSH D009386, MONDO:0015356.

Submissions (3):

Myriad Genetics, Inc.
Classification: Benign for POLD1-related polyposis and colorectal cancer syndrome. Last evaluated: 2025-02-05. Review status: criteria provided, single submitter. Criteria: Myriad Autosomal Dominant, Autosomal Recessive and X-Linked Classification Criteria (2023). Collection method: clinical testing. Allele origin: unknown.
Comment: This variant is considered benign. This variant is a silent/synonymous amino acid change and it is not expected to impact splicing.

Labcorp Genetics (formerly Invitae), Labcorp
Classification: Likely benign for POLD1-related polyposis and colorectal cancer syndrome. Last evaluated: 2022-05-09. Review status: criteria provided, single submitter. Criteria: Invitae Variant Classification Sherloc (09022015). Collection method: clinical testing. Allele origin: germline.

Ambry Genetics
Classification: Likely benign for Hereditary cancer-predisposing syndrome. Last evaluated: 2019-07-14. Review status: criteria provided, single submitter. Criteria: Ambry Variant Classification Scheme 2023. Collection method: clinical testing. Allele origin: germline.

NM_002691.4(POLD1):c.1098C>T (p.Ala366=)

Gene: POLD1 (DNA polymerase delta 1, catalytic subunit; plus strand). Cytogenetic location: 19q13.33.
Variant type: single nucleotide variant.
Coding change: c.1098C>T on transcript NM_002691.4 (MANE Select); coding-DNA position 1098, C replaced by T.
Protein change: p.Ala366=; no amino-acid change (alanine 366 retained).
Molecular consequence: synonymous variant. On other transcripts: non-coding transcript variant (1).
Genome position (GRCh38, 1-based): chr19:50,403,180, C>T. VCF-style: chr19-50403180-C-T. GRCh37 (hg19) VCF-style: chr19-50906437-C-T.
Other names: c.1098C>T, p.Ala366= (NM_001256849.1, NM_001308632.1).
Identifiers: ClinVar variation 1791227 (VCV001791227.8), dbSNP rs2513973913, ClinGen allele CA508182741.
Genomic context (GRCh38, chr19:50,403,180, plus strand): 5'-GCCGGAGCCCTTCCTACGCCTGGCGCTCACCCTGCGGCCCTGTGCCCCCATCCTGGGTGC[C>T]AAGGTGCAGAGCTACGAGAAGGAGGAGGACCTGCTGCAGGTAGCTCTCGCTCCACGCCCC-3'
Protein context (NP_002682.2, residues 356-376): TLRPCAPILG[Ala366=]KVQSYEKEED